The following is an entry in ClinVar:

ClinVar aggregate classification (germline): Uncertain significance (1 of 4 stars; one submission).

Conditions:
Malignant hyperthermia, susceptibility to, 1 (MHS1). Also called: RYR1-Related Malignant Hyperthermia Susceptibility; Anesthesia related hyperthermia; Malignant hyperpyrexia; Fulminating hyperpyrexia; Pharmacogenic myopathy; Malignant hyperthermia suceptibility 1. Identifiers: Orphanet 423, MedGen C2930980, MONDO:0007783, OMIM 145600.

Submission:

All of Us Research Program, National Institutes of Health
Classification: Uncertain significance for Malignant hyperthermia, susceptibility to, 1. Last evaluated: 2023-03-28. Review status: criteria provided, single submitter. Criteria: ACMG Guidelines, 2015. Collection method: clinical testing. Allele origin: germline. Inheritance: Autosomal dominant inheritance. Observed: 1 variant allele, 1 heterozygote.
Comment: This study involves interpretation of variants in research participants for the purpose of population health screening. Participant phenotype was not available at the time of variant classification. Additional details can be found in publication PMID: 35346344, PMCID: PMC8962531

NM_000540.3(RYR1):c.7548C>A (p.Asp2516Glu)

Gene: RYR1 (ryanodine receptor 1; plus strand). Cytogenetic location: 19q13.2.
Variant type: single nucleotide variant.
Coding change: c.7548C>A on transcript NM_000540.3 (MANE Select); coding-DNA position 7548, C replaced by A.
Protein change: p.Asp2516Glu; replaces aspartic acid 2516 with glutamic acid.
Molecular consequence: missense variant.
Genome position (GRCh38, 1-based): chr19:38,500,924, C>A. VCF-style: chr19-38500924-C-A. GRCh37 (hg19) VCF-style: chr19-38991564-C-A.
Other names: c.7548C>A, p.Asp2516Glu (NM_001042723.2); short protein forms D2516E.
Identifiers: ClinVar variation 3070025 (VCV003070025.1), dbSNP rs2514322598, ClinGen allele CA405670440.